The following is an entry in ClinVar:

ClinVar aggregate classification (germline): Uncertain significance. Review status: criteria provided, multiple submitters, no conflicts (2 of 4 stars). 2 submissions from 2 submitters: Uncertain significance (2). Last evaluated 2025-12-15.

Allele frequency attached by ClinVar (database versions not stated): TOPMed 0.00002; gnomAD 0.00004.
gnomAD v4.1: 21 of 1,613,596 alleles (0.0013%); highest among the groups gnomAD compares: Admixed American, 0.015%; no homozygotes.

Submissions (2):

Labcorp Genetics (formerly Invitae), Labcorp
Classification: Uncertain significance. Last evaluated: 2025-12-15. Review status: criteria provided, single submitter. Criteria: Invitae Variant Classification Sherloc (09022015). Collection method: clinical testing. Allele origin: germline.
Comment: This sequence change replaces proline, which is neutral and non-polar, with glutamine, which is neutral and polar, at codon 731 of the DCHS1 protein (p.Pro731Gln). This variant is present in population databases (rs528648883, gnomAD 0.02%). This variant has not been reported in the literature in individuals affected with DCHS1-related conditions. ClinVar contains an entry for this variant (Variation ID: 1390038). Invitae Evidence Modeling of protein sequence and biophysical properties (such as structural, functional, and spatial information, amino acid conservation, physicochemical variation, residue mobility, and thermodynamic stability) indicates that this missense variant is not expected to disrupt DCHS1 protein function with a negative predictive value of 80%. In summary, the available evidence is currently insufficient to determine the role of this variant in disease. Therefore, it has been classified as a Variant of Uncertain Significance.

Breakthrough Genomics
Classification: Uncertain significance. Review status: criteria provided, single submitter. Criteria: ACMG Guidelines, 2015. Collection method: not provided. Allele origin: germline. Inheritance: Autosomal recessive inheritance. Affected: yes.

NM_003737.4(DCHS1):c.2192C>A (p.Pro731Gln)

Gene: DCHS1 (dachsous cadherin-related 1; minus strand). Cytogenetic location: 11p15.4.
Variant type: single nucleotide variant.
Coding change: c.2192C>A on transcript NM_003737.4 (MANE Select); coding-DNA position 2192, C replaced by A.
Protein change: p.Pro731Gln; replaces proline 731 with glutamine.
Molecular consequence: missense variant.
Genome position (GRCh38, 1-based): chr11:6,633,815, G>T on the plus strand (C>A on the coding strand, the complement: DCHS1 is on the minus strand). VCF-style: chr11-6633815-G-T. GRCh37 (hg19) VCF-style: chr11-6655046-G-T.
Other names: short protein forms P731Q.
Identifiers: ClinVar variation 1390038 (VCV001390038.7), dbSNP rs528648883, ClinGen allele CA5860795.